The following is an entry in ClinVar:

ClinVar aggregate classification (germline): Uncertain significance (1 of 4 stars; one submission).

Conditions:
Hyperprolinemia type 2 (HYRPRO2). Also called: 1-PYRROLINE-5-CARBOXYLATE DEHYDROGENASE DEFICIENCY; Delta-1-pyrroline-5-carboxylate dehydrogenase deficiency; Deficiency of pyrroline-5-carboxylate reductase. Identifiers: Orphanet 79101, MedGen C2931835, MONDO:0009401, OMIM 239510.

Allele frequency attached by ClinVar (database versions not stated): gnomAD 0.00001; TOPMed 0.00008.
gnomAD v4.1: 19 of 1,614,032 alleles (0.0012%); highest among the groups gnomAD compares: Admixed American, 0.03%; no homozygotes.

Submission:

Labcorp Genetics (formerly Invitae), Labcorp
Classification: Uncertain significance for Hyperprolinemia type 2. Last evaluated: 2024-12-03. Review status: criteria provided, single submitter. Criteria: Invitae Variant Classification Sherloc (09022015). Collection method: clinical testing. Allele origin: germline.
Comment: This sequence change replaces glycine, which is neutral and non-polar, with aspartic acid, which is acidic and polar, at codon 516 of the ALDH4A1 protein (p.Gly516Asp). This variant is present in population databases (rs773884295, gnomAD 0.04%). This variant has not been reported in the literature in individuals affected with ALDH4A1-related conditions. ClinVar contains an entry for this variant (Variation ID: 2051174). An algorithm developed to predict the effect of missense changes on protein structure and function (PolyPhen-2) suggests that this variant is likely to be disruptive. In summary, the available evidence is currently insufficient to determine the role of this variant in disease. Therefore, it has been classified as a Variant of Uncertain Significance.

NM_003748.4(ALDH4A1):c.1547G>A (p.Gly516Asp)

Gene: ALDH4A1 (aldehyde dehydrogenase 4 family member A1; minus strand). Cytogenetic location: 1p36.13.
Variant type: single nucleotide variant.
Coding change: c.1547G>A on transcript NM_003748.4 (MANE Select); coding-DNA position 1547, G replaced by A.
Protein change: p.Gly516Asp; replaces glycine 516 with aspartic acid.
Molecular consequence: missense variant.
Genome position (GRCh38, 1-based): chr1:18,874,495, C>T on the plus strand (G>A on the coding strand, the complement: ALDH4A1 is on the minus strand). VCF-style: chr1-18874495-C-T. GRCh37 (hg19) VCF-style: chr1-19200989-C-T.
Other names: c.1367G>A, p.Gly456Asp (NM_001161504.2); c.1394G>A, p.Gly465Asp (NM_001319218.2); c.1547G>A, p.Gly516Asp (NM_170726.3); short protein forms G516D, G465D, G456D.
Identifiers: ClinVar variation 2051174 (VCV002051174.4), dbSNP rs773884295, ClinGen allele CA646858.